The following is an entry in ClinVar:

ClinVar aggregate classification (germline): Uncertain significance (1 of 4 stars; one submission).

Conditions:
POLD1-related polyposis and colorectal cancer syndrome (CRCS10). Also called: Colorectal cancer 10; COLORECTAL CANCER, SUSCEPTIBILITY TO, ON CHROMOSOME 19q; Colorectal cancer, susceptibility to, 10. Identifiers: Orphanet 220460, MedGen C2675481, MONDO:0012953, OMIM 612591.

Submission:

Labcorp Genetics (formerly Invitae), Labcorp
Classification: Uncertain significance for POLD1-related polyposis and colorectal cancer syndrome. Last evaluated: 2023-12-11. Review status: criteria provided, single submitter. Criteria: Invitae Variant Classification Sherloc (09022015). Collection method: clinical testing. Allele origin: germline.
Comment: This sequence change replaces glutamic acid, which is acidic and polar, with valine, which is neutral and non-polar, at codon 279 of the POLD1 protein (p.Glu279Val). This variant is not present in population databases (gnomAD no frequency). This variant has not been reported in the literature in individuals affected with POLD1-related conditions. ClinVar contains an entry for this variant (Variation ID: 537096). Advanced modeling of protein sequence and biophysical properties (such as structural, functional, and spatial information, amino acid conservation, physicochemical variation, residue mobility, and thermodynamic stability) performed at Invitae indicates that this missense variant is not expected to disrupt POLD1 protein function with a negative predictive value of 80%. Algorithms developed to predict the effect of sequence changes on RNA splicing suggest that this variant may disrupt the consensus splice site. In summary, the available evidence is currently insufficient to determine the role of this variant in disease. Therefore, it has been classified as a Variant of Uncertain Significance.

NM_002691.4(POLD1):c.836A>T (p.Glu279Val)

Gene: POLD1 (DNA polymerase delta 1, catalytic subunit; plus strand). Cytogenetic location: 19q13.33.
Variant type: single nucleotide variant.
Coding change: c.836A>T on transcript NM_002691.4 (MANE Select); coding-DNA position 836, A replaced by T.
Protein change: p.Glu279Val; replaces glutamic acid 279 with valine.
Molecular consequence: missense variant. On other transcripts: non-coding transcript variant (1).
Genome position (GRCh38, 1-based): chr19:50,402,531, A>T. VCF-style: chr19-50402531-A-T. GRCh37 (hg19) VCF-style: chr19-50905788-A-T.
Other names: c.836A>T, p.Glu279Val (NM_001256849.1, NM_001308632.1); short protein forms E279V.
Identifiers: ClinVar variation 537096 (VCV000537096.9), dbSNP rs1555790176, ClinGen allele CA406975139.
Genomic context (GRCh38, chr19:50,402,531, plus strand): 5'-ACATCGTCGGCTGCAACTGGCTGGAGCTCCCAGCTGGGAAATACGCCCTGAGGCTGAAGG[A>T]GAAGGTGCAGGGCTTCCCAGGGCAGGGCTGGGTGGGGAGCTGGTACCCTGCTGCCACCGC-3'
Protein context (NP_002682.2, residues 269-289): PAGKYALRLK[Glu279Val]KATQCQLEAD